The following is an entry in ClinVar:

ClinVar aggregate classification (germline): Uncertain significance. Review status: criteria provided, multiple submitters, no conflicts (2 of 4 stars). 2 submissions from 2 submitters: Uncertain significance (2). Last evaluated 2025-03-31.

Conditions:
Severe combined immunodeficiency due to DNA-PKcs deficiency. Also called: IMMUNODEFICIENCY 26 WITH NEUROLOGIC ABNORMALITIES; Immunodeficiency 26 with or without neurologic abnormalities. Identifiers: Orphanet 317425, MedGen C4014833, MONDO:0014423, OMIM 615966.

gnomAD v4.1: 11 of 1,613,776 alleles (0.00068%); highest among the groups gnomAD compares: South Asian, 0.0066%; no homozygotes.

Submissions (2):

Labcorp Genetics (formerly Invitae), Labcorp
Classification: Uncertain significance for Severe combined immunodeficiency due to DNA-PKcs deficiency. Last evaluated: 2025-03-31. Review status: criteria provided, single submitter. Criteria: Invitae Variant Classification Sherloc (09022015). Collection method: clinical testing. Allele origin: germline.
Comment: This sequence change replaces isoleucine, which is neutral and non-polar, with leucine, which is neutral and non-polar, at codon 363 of the PRKDC protein (p.Ile363Leu). This variant is present in population databases (no rsID available, gnomAD 0.003%). This variant has not been reported in the literature in individuals affected with PRKDC-related conditions. ClinVar contains an entry for this variant (Variation ID: 1787904). Invitae Evidence Modeling of protein sequence and biophysical properties (such as structural, functional, and spatial information, amino acid conservation, physicochemical variation, residue mobility, and thermodynamic stability) indicates that this missense variant is expected to disrupt PRKDC protein function with a positive predictive value of 80%. In summary, the available evidence is currently insufficient to determine the role of this variant in disease. Therefore, it has been classified as a Variant of Uncertain Significance.

Ambry Genetics
Classification: Uncertain significance. Last evaluated: 2024-12-28. Review status: criteria provided, single submitter. Criteria: Ambry Variant Classification Scheme 2023. Collection method: clinical testing. Allele origin: germline.

NM_006904.7(PRKDC):c.1087A>C (p.Ile363Leu)

Gene: PRKDC (protein kinase, DNA-activated, catalytic subunit; minus strand). Cytogenetic location: 8q11.21.
Variant type: single nucleotide variant.
Coding change: c.1087A>C on transcript NM_006904.7 (MANE Select); coding-DNA position 1087, A replaced by C.
Protein change: p.Ile363Leu; replaces isoleucine 363 with leucine.
Molecular consequence: missense variant.
Genome position (GRCh38, 1-based): chr8:47,939,577, T>G on the plus strand (A>C on the coding strand, the complement: PRKDC is on the minus strand). VCF-style: chr8-47939577-T-G. GRCh37 (hg19) VCF-style: chr8-48852137-T-G.
Other names: c.1087A>C, p.Ile363Leu (NM_001081640.2); short protein forms I363L.
Identifiers: ClinVar variation 1787904 (VCV001787904.8), dbSNP rs775940255, ClinGen allele CA371166596.